The following is an entry in ClinVar:

NM_001349338.3(FOXP1):c.181-17957C>T

Gene: FOXP1 (forkhead box P1; minus strand). Cytogenetic location: 3p13.
Variant type: single nucleotide variant.
Coding change: c.181-17957C>T on transcript NM_001349338.3 (MANE Select); 17957 bases into the intron before coding-DNA position 181, C replaced by T.
Molecular consequence: intron variant.
Genome position (GRCh38, 1-based): chr3:71,130,594, G>A on the plus strand (C>T on the coding strand, the complement: FOXP1 is on the minus strand). VCF-style: chr3-71130594-G-A. GRCh37 (hg19) VCF-style: chr3-71179745-G-A.
Other names: c.181-17957C>T (NM_001244816.2, NM_001244812.3, NM_001244814.3 and 5 more transcripts); c.-121+1497C>T (NM_001349343.3, NM_001349342.3).
Identifiers: ClinVar variation 4981552 (VCV004981552.1).

ClinVar aggregate classification (germline): Likely benign (1 of 4 stars; one submission).

Conditions:
FOXP1-related disorder. Also called: FOXP1-related condition.

gnomAD v4.1: 1,965 of 1,598,386 alleles (0.12%); highest among the groups gnomAD compares: Non-Finnish European, 0.15%; 2 homozygotes.

Submission:

PreventionGenetics, part of Exact Sciences
Classification: Likely benign for FOXP1-related condition. Last evaluated: 2024-10-22. Review status: criteria provided, single submitter. Criteria: ACMG Guidelines, 2015. Collection method: clinical testing. Allele origin: germline.
Comment: This variant is classified as likely benign based on ACMG/AMP sequence variant interpretation guidelines (Richards et al. 2015 PMID: 25741868, with internal and published modifications).